The following is an entry in ClinVar:

ClinVar aggregate classification (germline): Likely benign. Review status: criteria provided, multiple submitters, no conflicts (2 of 4 stars). 4 submissions from 4 submitters: Likely benign (4). Last evaluated 2026-01-19.

Conditions:
DCAF17-related disorder. Also called: DCAF17-related condition.
Woodhouse-Sakati syndrome. Also called: Hypogonadism, Alopecia, Diabetes Mellitus, Mental Retardation, and Extrapyramidal Syndrome; Hypogonadism, diabetes mellitus, alopecia, mental retardation and electrocardiographic abnormalities; EXTRAPYRAMIDAL DISORDER, PROGRESSIVE, WITH PRIMARY HYPOGONADISM, MENTAL RETARDATION, AND ALOPECIA. Identifiers: Orphanet 3464, MedGen C0342286, MONDO:0009419, OMIM 241080.

Allele frequency attached by ClinVar (database versions not stated): gnomAD 0.00008 and 0.00009; gnomAD exomes 0.00008 and 0.00015; TOPMed 0.00008; ExAC 0.00009; 1000 Genomes Project 30x 0.00016; 1000 Genomes Project 0.00020; ESP Exome Variant Server 0.00023.
gnomAD v4.1: 229 of 1,612,672 alleles (0.014%); highest among the groups gnomAD compares: Non-Finnish European, 0.019%; no homozygotes.

Submissions (4):

Labcorp Genetics (formerly Invitae), Labcorp
Classification: Likely benign for Woodhouse-Sakati syndrome. Last evaluated: 2026-01-19. Review status: criteria provided, single submitter. Criteria: Invitae Variant Classification Sherloc (09022015). Collection method: clinical testing. Allele origin: germline.

PreventionGenetics, part of Exact Sciences
Classification: Likely benign for DCAF17-related condition. Last evaluated: 2025-07-14. Review status: criteria provided, single submitter. Criteria: ACMG Guidelines, 2015. Collection method: clinical testing. Allele origin: germline.
Comment: This variant is classified as likely benign based on ACMG/AMP sequence variant interpretation guidelines (Richards et al. 2015 PMID: 25741868, with internal and published modifications).

Blueprint Genetics
Classification: Likely benign. Last evaluated: 2024-11-08. Review status: criteria provided, single submitter. Criteria: ACMG Guidelines, 2015. Collection method: clinical testing. Allele origin: germline.

CeGaT Center for Human Genetics Tuebingen
Classification: Likely benign. Last evaluated: 2022-11-01. Review status: criteria provided, single submitter. Criteria: CeGaT Center For Human Genetics Tuebingen Variant Classification Criteria Version 2. Collection method: clinical testing. Allele origin: germline. Affected: yes. Observed: 2 variant alleles.
Comment: DCAF17: BP4

NM_025000.4(DCAF17):c.1083T>C (p.Asn361=)

Gene: DCAF17 (DDB1 and CUL4 associated factor 17; plus strand). Cytogenetic location: 2q31.1.
Variant type: single nucleotide variant.
Coding change: c.1083T>C on transcript NM_025000.4 (MANE Select); coding-DNA position 1083, T replaced by C.
Protein change: p.Asn361=; no amino-acid change (asparagine 361 retained).
Molecular consequence: synonymous variant. On other transcripts: non-coding transcript variant (1), intron variant (1).
Genome position (GRCh38, 1-based): chr2:171,473,967, T>C. VCF-style: chr2-171473967-T-C. GRCh37 (hg19) VCF-style: chr2-172330477-T-C.
Other names: c.982-4020T>C (NM_001164821.2).
Identifiers: ClinVar variation 701361 (VCV000701361.40), dbSNP rs193214847, ClinGen allele CA1964876.